The following is an entry in ClinVar:

ClinVar aggregate classification (germline): Uncertain significance. Review status: criteria provided, multiple submitters, no conflicts (2 of 4 stars). 2 submissions from 2 submitters: Uncertain significance (2). Last evaluated 2025-07-28.

Conditions:
Multiple endocrine neoplasia type 4. Also called: MULTIPLE ENDOCRINE NEOPLASIA, TYPE IV. Identifiers: Orphanet 276152, MedGen C1970712, MONDO:0012552, OMIM 610755.
Hereditary cancer-predisposing syndrome. Also called: Tumor predisposition; Hereditary neoplastic syndrome; Neoplastic Syndromes, Hereditary; Hereditary Cancer Syndrome. Identifiers: Orphanet 140162, MedGen C0027672, MeSH D009386, MONDO:0015356.

Submissions (2):

Ambry Genetics
Classification: Uncertain significance for Hereditary cancer-predisposing syndrome. Last evaluated: 2025-07-28. Review status: criteria provided, single submitter. Criteria: Ambry Variant Classification Scheme 2023. Collection method: clinical testing. Allele origin: germline.
Comment: The p.S110T variant (also known as c.329G>C), located in coding exon 1 of the CDKN1B gene, results from a G to C substitution at nucleotide position 329. The serine at codon 110 is replaced by threonine, an amino acid with similar properties. This amino acid position is conserved. In addition, this alteration is predicted to be tolerated by in silico analysis. Based on the available evidence, the clinical significance of this variant remains unclear.

Labcorp Genetics (formerly Invitae), Labcorp
Classification: Uncertain significance for Multiple endocrine neoplasia type 4. Last evaluated: 2023-05-07. Review status: criteria provided, single submitter. Criteria: Invitae Variant Classification Sherloc (09022015). Collection method: clinical testing. Allele origin: germline.
Comment: In summary, the available evidence is currently insufficient to determine the role of this variant in disease. Therefore, it has been classified as a Variant of Uncertain Significance. An algorithm developed to predict the effect of missense changes on protein structure and function (PolyPhen-2) suggests that this variant is likely to be tolerated. ClinVar contains an entry for this variant (Variation ID: 1506304). This variant has not been reported in the literature in individuals affected with CDKN1B-related conditions. This variant is not present in population databases (gnomAD no frequency). This sequence change replaces serine, which is neutral and polar, with threonine, which is neutral and polar, at codon 110 of the CDKN1B protein (p.Ser110Thr).

NM_004064.5(CDKN1B):c.329G>C (p.Ser110Thr)

Gene: CDKN1B (cyclin dependent kinase inhibitor 1B; plus strand). Cytogenetic location: 12p13.1.
Variant type: single nucleotide variant.
Coding change: c.329G>C on transcript NM_004064.5 (MANE Select); coding-DNA position 329, G replaced by C.
Protein change: p.Ser110Thr; replaces serine 110 with threonine.
Molecular consequence: missense variant.
Genome position (GRCh38, 1-based): chr12:12,718,168, G>C. VCF-style: chr12-12718168-G-C. GRCh37 (hg19) VCF-style: chr12-12871102-G-C.
Other names: c.329G>C (NM_004064.3); short protein forms S110T.
Identifiers: ClinVar variation 1506304 (VCV001506304.8), dbSNP rs2136356167, ClinGen allele CA383970245.
Genomic context (GRCh38, chr12:12,718,168, plus strand): 5'-GACCCCCGCGGCCCCCCAAAGGTGCCTGCAAGGTGCCGGCGCAGGAGAGCCAGGATGTCA[G>C]CGGGAGCCGCCCGGCGGCGCCTTTAATTGGGGCTCCGGCTAACTCTGAGGACACGCATTT-3'
Protein context (NP_004055.1, residues 100-120): KVPAQESQDV[Ser110Thr]GSRPAAPLIG